The following is an entry in ClinVar:

NM_000243.3(MEFV):c.866C>T (p.Ala289Val)

Gene: MEFV (MEFV innate immunity regulator, pyrin; minus strand). Cytogenetic location: 16p13.3.
Variant type: single nucleotide variant.
Coding change: c.866C>T on transcript NM_000243.3 (MANE Select); coding-DNA position 866, C replaced by T.
Protein change: p.Ala289Val; replaces alanine 289 with valine.
Molecular consequence: missense variant. On other transcripts: intron variant (1).
Genome position (GRCh38, 1-based): chr16:3,254,202, G>A on the plus strand (C>T on the coding strand, the complement: MEFV is on the minus strand). VCF-style: chr16-3254202-G-A. GRCh37 (hg19) VCF-style: chr16-3304202-G-A.
Other names: c.277+2109C>T (NM_001198536.2); short protein forms A289V.
Identifiers: ClinVar variation 97550 (VCV000097550.40), dbSNP rs104895132, ClinGen allele CA280673.

ClinVar aggregate classification (germline): Conflicting classifications of pathogenicity. Review status: criteria provided, conflicting classifications (1 of 4 stars). 13 submissions from 11 submitters: Uncertain significance (8); Benign (2); Likely benign (1). 2 of the submissions do not count toward it. Last evaluated 2026-02-02.

Conditions:
Autoinflammatory syndrome. Identifiers: Orphanet 93665, MedGen C3890737, MONDO:0019751.
Acute febrile neutrophilic dermatosis (AFND). Also called: Sweet Syndrome; Gomm Button disease. Identifiers: Orphanet 3243, MedGen C0085077, MONDO:0011959, OMIM 608068.
Familial Mediterranean fever (FMF). Also called: POLYSEROSITIS, FAMILIAL PAROXYSMAL; POLYSEROSITIS, RECURRENT; Periodic peritonitis; Benign paroxysmal peritonitis. Identifiers: Orphanet 342, MedGen C0031069, MONDO:0018088, OMIM 249100. Disease mechanism: gain of function.
Familial Mediterranean fever, autosomal dominant. Also called: FMF, AUTOSOMAL DOMINANT; Dominant Familial Mediterranean Fever. Identifiers: Orphanet 342, MedGen C1851347, MONDO:0007601, OMIM 134610.

Allele frequency attached by ClinVar (database versions not stated): gnomAD 0.00006 and 0.00007; TOPMed 0.00008; ESP Exome Variant Server 0.00023.
gnomAD v4.1: 144 of 1,614,118 alleles (0.0089%); highest among the groups gnomAD compares: Middle Eastern, 0.049%; no homozygotes.

Submissions (13):

Women's Health and Genetics/Laboratory Corporation of America, LabCorp
Classification: Uncertain significance. Last evaluated: 2026-02-02. Review status: criteria provided, single submitter. Criteria: LabCorp Variant Classification Summary - May 2015. Collection method: clinical testing. Allele origin: germline.
Comment: Variant summary: MEFV c.866C>T (p.Ala289Val) results in a non-conservative amino acid change in the encoded protein sequence. Algorithms developed to predict the effect of missense changes on protein structure and function are either unavailable or do not agree on the potential impact of this missense change. The variant allele was found at a frequency of 0.00012 in 251310 control chromosomes. This frequency is not significantly higher than estimated for disease-causing variants in MEFV, allowing no conclusion about variant significance. c.866C>T has been observed in individual(s) affected with Familial Mediterranean Fever. These data do not allow any conclusion about variant significance. To our knowledge, no experimental evidence demonstrating an impact on protein function has been reported. The following publications have been ascertained in the context of this evaluation (PMID: 19790133, 39897620, 20041150, 23010357, 34426522, 32447396, 38360038, 17665448, 19302049, 25821352, 26399837, 31512232, 29159471). ClinVar contains an entry for this variant (Variation ID: 97550). Based on the evidence outlined above, the variant was classified as uncertain significance.

GeneDx
Classification: Uncertain significance. Last evaluated: 2026-01-29. Review status: criteria provided, single submitter. Criteria: GeneDx Variant Classification Process June 2021. Collection method: clinical testing. Allele origin: germline. Affected: yes.
Comment: Identified in the heterozygous state in patients with periodic fever syndrome in published literature (PMID: 32447396, 39897620, 25821352, 20041150, 26984802); In silico analysis suggests that this missense variant does not alter protein structure/function; This variant is associated with the following publications: (PMID: 17665448, 26984802, 19790133, no PMID, 20041150, 34426522, 35358658, 31512232, 32447396, 39897620, 25821352, 23010357, 19302049, 29159471, 26399837)

CeGaT Center for Human Genetics Tuebingen
Classification: Uncertain significance. Last evaluated: 2024-12-01. Review status: criteria provided, single submitter. Criteria: CeGaT Center For Human Genetics Tuebingen Variant Classification Criteria Version 2. Collection method: clinical testing. Allele origin: germline. Affected: yes. Observed: 1 variant allele.
Comment: MEFV: PM2, BP4

Fulgent Genetics
Classification: Uncertain significance for Familial Mediterranean fever, autosomal dominant; Familial Mediterranean fever; Acute febrile neutrophilic dermatosis. Last evaluated: 2024-05-22. Review status: criteria provided, single submitter. Criteria: ACMG Guidelines, 2015. Collection method: clinical testing. Allele origin: germline.

Genome-Nilou Lab
Classification: Likely benign for Familial Mediterranean fever. Last evaluated: 2023-02-08. Review status: criteria provided, single submitter. Criteria: ACMG Guidelines, 2015. Collection method: clinical testing. Allele origin: germline.

Genome-Nilou Lab
Classification: Benign for Familial Mediterranean fever, autosomal dominant. Last evaluated: 2023-02-08. Review status: criteria provided, single submitter. Criteria: ACMG Guidelines, 2015. Collection method: clinical testing. Allele origin: germline.

Genome-Nilou Lab
Classification: Benign for Acute febrile neutrophilic dermatosis. Last evaluated: 2023-02-08. Review status: criteria provided, single submitter. Criteria: ACMG Guidelines, 2015. Collection method: clinical testing. Allele origin: germline.

Labcorp Genetics (formerly Invitae), Labcorp
Classification: Uncertain significance for Familial Mediterranean fever. Last evaluated: 2022-10-24. Review status: criteria provided, single submitter. Criteria: Invitae Variant Classification Sherloc (09022015). Collection method: clinical testing. Allele origin: germline.
Comment: This sequence change replaces alanine, which is neutral and non-polar, with valine, which is neutral and non-polar, at codon 289 of the MEFV protein (p.Ala289Val). This variant is present in population databases (rs104895132, gnomAD 0.02%). This missense change has been observed in individual(s) with MEFV-related conditions (PMID: 20041150, 25821352). ClinVar contains an entry for this variant (Variation ID: 97550). Algorithms developed to predict the effect of missense changes on protein structure and function output the following: SIFT: "Tolerated"; PolyPhen-2: "Benign"; Align-GVGD: "Class C0". The valine amino acid residue is found in multiple mammalian species, which suggests that this missense change does not adversely affect protein function. In summary, the available evidence is currently insufficient to determine the role of this variant in disease. Therefore, it has been classified as a Variant of Uncertain Significance.

Genome Diagnostics Laboratory, The Hospital for Sick Children
Classification: Uncertain significance for Autoinflammatory syndrome. Last evaluated: 2021-04-30. Review status: criteria provided, single submitter. Criteria: ACMG Guidelines, 2015. Collection method: clinical testing. Allele origin: germline. Affected: yes.

Mendelics
Classification: Uncertain significance for Familial Mediterranean fever. Last evaluated: 2019-05-28. Review status: criteria provided, single submitter. Criteria: Mendelics Assertion Criteria 2017. Collection method: clinical testing. Allele origin: unknown.

Eurofins Ntd Llc (ga)
Classification: Uncertain significance. Last evaluated: 2016-11-15. Review status: criteria provided, single submitter. Criteria: EGL Classification Definitions 2015. Collection method: clinical testing. Allele origin: germline. Observed: 1 variant allele, 1 heterozygote.

Natera, Inc.
Classification: Uncertain significance for Familial Mediterranean fever. Last evaluated: 2020-03-30. Review status: no assertion criteria provided. Collection method: clinical testing. Allele origin: germline. Not counted in ClinVar's aggregate classification.

Unité médicale des maladies autoinflammatoires, CHRU Montpellier
No classification provided. Condition: Familial Mediterranean fever. Review status: no classification provided. Collection method: not provided. Allele origin: unknown. Not counted in ClinVar's aggregate classification.

Literature cited by the submitters: PubMed 19790133 (cited by Women's Health and Genetics/Laboratory Corporation of America, LabCorp); PubMed 20041150 (cited by Women's Health and Genetics/Laboratory Corporation of America, LabCorp and Labcorp Genetics (formerly Invitae), Labcorp); PubMed 23010357 (cited by Women's Health and Genetics/Laboratory Corporation of America, LabCorp); PubMed 17665448 (cited by Women's Health and Genetics/Laboratory Corporation of America, LabCorp); PubMed 19302049 (cited by Women's Health and Genetics/Laboratory Corporation of America, LabCorp); PubMed 25821352 (cited by Women's Health and Genetics/Laboratory Corporation of America, LabCorp and Labcorp Genetics (formerly Invitae), Labcorp); PubMed 29159471 (cited by Women's Health and Genetics/Laboratory Corporation of America, LabCorp); PubMed 34426522 (cited by Women's Health and Genetics/Laboratory Corporation of America, LabCorp); PubMed 32447396 (cited by Women's Health and Genetics/Laboratory Corporation of America, LabCorp); PubMed 26399837 (cited by Women's Health and Genetics/Laboratory Corporation of America, LabCorp); PubMed 31512232 (cited by Women's Health and Genetics/Laboratory Corporation of America, LabCorp); PubMed 39897620 (cited by Women's Health and Genetics/Laboratory Corporation of America, LabCorp); PubMed 38360038 (cited by Women's Health and Genetics/Laboratory Corporation of America, LabCorp).